The following is an entry in ClinVar:

ClinVar aggregate classification (germline): Likely benign (1 of 4 stars; one submission).

Allele frequency attached by ClinVar (database versions not stated): gnomAD 0.00003; TOPMed 0.00003; ESP Exome Variant Server 0.00008; gnomAD exomes 0.00009; ExAC 0.00012.
gnomAD v4.1: 128 of 1,578,704 alleles (0.0081%); highest among the groups gnomAD compares: South Asian, 0.12%; 2 homozygotes.

Submission:

CeGaT Center for Human Genetics Tuebingen
Classification: Likely benign. Last evaluated: 2024-03-01. Review status: criteria provided, single submitter. Criteria: CeGaT Center For Human Genetics Tuebingen Variant Classification Criteria Version 2. Collection method: clinical testing. Allele origin: germline. Affected: yes. Observed: 1 variant allele.
Comment: PIGK: BP4, BP7

NM_005482.3(PIGK):c.234T>C (p.Pro78=)

Gene: PIGK (phosphatidylinositol glycan anchor biosynthesis class K; minus strand). Cytogenetic location: 1p31.1.
Variant type: single nucleotide variant.
Coding change: c.234T>C on transcript NM_005482.3 (MANE Select); coding-DNA position 234, T replaced by C.
Protein change: p.Pro78=; no amino-acid change (proline 78 retained).
Molecular consequence: synonymous variant.
Genome position (GRCh38, 1-based): chr1:77,206,645, A>G on the plus strand (T>C on the coding strand, the complement: PIGK is on the minus strand). VCF-style: chr1-77206645-A-G. GRCh37 (hg19) VCF-style: chr1-77672330-A-G.
Identifiers: ClinVar variation 3067359 (VCV003067359.21), dbSNP rs148725038, ClinGen allele CA916008.
Genomic context (GRCh38, chr1:77,206,645, plus strand): 5'-ATCTAAGGGTTATTTTCACTGAAGTTCAAGGTTAAGCTTTATTAAGGCTTCTTACCTGTC[A>G]GGAATACCTAGCCTCTTGACACTTCTATAAACAGAAAGGGTATTTGCAACATGTCGATAA-3'
Protein context (NP_005473.1, residues 68-88): VYRSVKRLGI[Pro78=]DSHIVLMLAD